The following is an entry in ClinVar:

NM_130384.3(ATRIP):c.1909A>G (p.Met637Val)

Genes: ATRIP (ATR interacting protein; plus strand), ATRIP-TREX1 (ATRIP-TREX1 readthrough; plus strand). Cytogenetic location: 3p21.31.
Variant type: single nucleotide variant.
Coding change: c.1909A>G on transcript NM_130384.3 (MANE Select); coding-DNA position 1909, A replaced by G.
Protein change: p.Met637Val; replaces methionine 637 with valine.
Molecular consequence: missense variant. On other transcripts: non-coding transcript variant (1).
Genome position (GRCh38, 1-based): chr3:48,464,067, A>G. VCF-style: chr3-48464067-A-G. GRCh37 (hg19) VCF-style: chr3-48505466-A-G.
Other names: c.1528A>G, p.Met510Val (NM_001271022.2); c.1630A>G, p.Met544Val (NM_001271023.2); c.1909A>G, p.Met637Val (NM_032166.4); short protein forms M637V, M510V, M544V.
Identifiers: ClinVar variation 3975630 (VCV003975630.1).

ClinVar aggregate classification (germline): Uncertain significance (1 of 4 stars; one submission).

gnomAD v4.1: 10 of 1,613,754 alleles (0.00062%); highest among the groups gnomAD compares: South Asian, 0.0011%; no homozygotes.

Submission:

Ambry Genetics
Classification: Uncertain significance. Last evaluated: 2025-03-18. Review status: criteria provided, single submitter. Criteria: Ambry Variant Classification Scheme 2023. Collection method: clinical testing. Allele origin: germline.
Comment: The p.M637V variant (also known as c.1909A>G), located in coding exon 10 of the ATRIP gene, results from an A to G substitution at nucleotide position 1909. The methionine at codon 637 is replaced by valine, an amino acid with highly similar properties. This amino acid position is conserved. In addition, this alteration is predicted to be tolerated by in silico analysis. Based on the available evidence, the clinical significance of this variant remains unclear.